The following is an entry in ClinVar:

NM_006005.3(WFS1):c.1757C>G (p.Ala586Gly)

Gene: WFS1 (wolframin ER transmembrane glycoprotein; plus strand). Cytogenetic location: 4p16.1.
Variant type: single nucleotide variant.
Coding change: c.1757C>G on transcript NM_006005.3 (MANE Select); coding-DNA position 1757, C replaced by G.
Protein change: p.Ala586Gly; replaces alanine 586 with glycine.
Molecular consequence: missense variant.
Genome position (GRCh38, 1-based): chr4:6,301,552, C>G. VCF-style: chr4-6301552-C-G. GRCh37 (hg19) VCF-style: chr4-6303279-C-G.
Other names: c.1757C>G, p.Ala586Gly (NM_001145853.1); short protein forms A586G.
Identifiers: ClinVar variation 2166232 (VCV002166232.4), dbSNP rs770895770, ClinGen allele CA2839477.

ClinVar aggregate classification (germline): Uncertain significance (1 of 4 stars; one submission).

Allele frequency attached by ClinVar (database versions not stated): ExAC 0.00001; gnomAD exomes 0.00001.

Submission:

Labcorp Genetics (formerly Invitae), Labcorp
Classification: Uncertain significance. Last evaluated: 2024-10-27. Review status: criteria provided, single submitter. Criteria: Invitae Variant Classification Sherloc (09022015). Collection method: clinical testing. Allele origin: germline.
Comment: This sequence change replaces alanine, which is neutral and non-polar, with glycine, which is neutral and non-polar, at codon 586 of the WFS1 protein (p.Ala586Gly). This variant is present in population databases (rs770895770, gnomAD 0.003%). This variant has not been reported in the literature in individuals affected with WFS1-related conditions. ClinVar contains an entry for this variant (Variation ID: 2166232). Invitae Evidence Modeling of protein sequence and biophysical properties (such as structural, functional, and spatial information, amino acid conservation, physicochemical variation, residue mobility, and thermodynamic stability) indicates that this missense variant is not expected to disrupt WFS1 protein function with a negative predictive value of 80%. In summary, the available evidence is currently insufficient to determine the role of this variant in disease. Therefore, it has been classified as a Variant of Uncertain Significance.